The following is an entry in ClinVar:

NM_000203.5(IDUA):c.1247A>C (p.His416Pro)

Gene: IDUA (alpha-L-iduronidase; plus strand). Cytogenetic location: 4p16.3.
Variant type: single nucleotide variant.
Coding change: c.1247A>C on transcript NM_000203.5 (MANE Select); coding-DNA position 1247, A replaced by C.
Protein change: p.His416Pro; replaces histidine 416 with proline.
Molecular consequence: missense variant. On other transcripts: non-coding transcript variant (1).
Genome position (GRCh38, 1-based): chr4:1,002,789, A>C. VCF-style: chr4-1002789-A-C. GRCh37 (hg19) VCF-style: chr4-996577-A-C.
Other names: c.851A>C, p.His284Pro (NM_001363576.1); short protein forms H416P, H284P.
Identifiers: ClinVar variation 572618 (VCV000572618.6), dbSNP rs1419725967, ClinGen allele CA355963674.

ClinVar aggregate classification (germline): Uncertain significance. Review status: criteria provided, multiple submitters, no conflicts (2 of 4 stars). 3 submissions from 3 submitters: Uncertain significance (2). 1 of the submissions does not count toward it. Last evaluated 2022-10-05.

Conditions:
Mucopolysaccharidosis type 1. Also called: IDUA deficiency; MPS I. Identifiers: Orphanet 579, MedGen C0023786, MONDO:0001586.

Allele frequency attached by ClinVar (database versions not stated): gnomAD 0.00002; gnomAD exomes 0.00003.
gnomAD v4.1: 42 of 1,467,356 alleles (0.0029%); highest among the groups gnomAD compares: Non-Finnish European, 0.0036%; no homozygotes.

Submissions (3):

Revvity Omics, Revvity
Classification: Uncertain significance. Last evaluated: 2022-10-05. Review status: criteria provided, single submitter. Criteria: ACMG Guidelines, 2015. Collection method: clinical testing. Allele origin: germline.

Labcorp Genetics (formerly Invitae), Labcorp
Classification: Uncertain significance for Mucopolysaccharidosis type 1. Last evaluated: 2021-08-27. Review status: criteria provided, single submitter. Criteria: Invitae Variant Classification Sherloc (09022015). Collection method: clinical testing. Allele origin: germline.
Comment: This sequence change replaces histidine with proline at codon 416 of the IDUA protein (p.His416Pro). The histidine residue is moderately conserved and there is a moderate physicochemical difference between histidine and proline. The frequency data for this variant in the population databases is considered unreliable, as metrics indicate insufficient coverage at this position in the ExAC database. This variant has not been reported in the literature in individuals affected with IDUA-related conditions. Algorithms developed to predict the effect of missense changes on protein structure and function are either unavailable or do not agree on the potential impact of this missense change (SIFT: "Tolerated"; PolyPhen-2: "Probably Damaging"; Align-GVGD: "Class C0"). In summary, the available evidence is currently insufficient to determine the role of this variant in disease. Therefore, it has been classified as a Variant of Uncertain Significance.

Natera, Inc.
Classification: Uncertain significance for Mucopolysaccharidosis type I. Last evaluated: 2020-09-16. Review status: no assertion criteria provided. Collection method: clinical testing. Allele origin: germline. Not counted in ClinVar's aggregate classification.